The following is an entry in ClinVar:

ClinVar aggregate classification (germline): Pathogenic (1 of 4 stars; one submission).

Conditions:
Usher syndrome type 1F (USH1F). Also called: USHER SYNDROME, TYPE IF. Identifiers: Orphanet 231169, Orphanet 886, MedGen C1865885, MONDO:0011186, OMIM 602083.

Submission:

Myriad Genetics, Inc.
Classification: Pathogenic for Usher syndrome type 1F. Last evaluated: 2024-07-05. Review status: criteria provided, single submitter. Criteria: Myriad Autosomal Dominant, Autosomal Recessive and X-Linked Classification Criteria (2023). Collection method: clinical testing. Allele origin: unknown.
Comment: NM_033056.3(PCDH15):c.3143_3144delTTinsA(L1048Qfs*10) is expected to be pathogenic in the context of PCDH15-related disorders. This variant is predicted to lead to an abnormal or absent protein product due to the creation of a premature termination codon in PCDH15, a gene where loss-of-function variants are known to be pathogenic. Please note: this variant was assessed in the context of healthy population screening.

NM_001384140.1(PCDH15):c.3143_3144delinsA (p.Leu1048fs)

Gene: PCDH15 (protocadherin related 15; minus strand). Cytogenetic location: 10q21.1.
Variant type: Indel.
Coding change: c.3143_3144delinsA on transcript NM_001384140.1 (MANE Select); coding-DNA positions 3143 to 3144, TT replaced by A.
Protein change: p.Leu1048fs; shifts the reading frame from leucine 1048.
Molecular consequence: frameshift variant.
Genome position (GRCh38, 1-based): chr10:53,940,954-53,940,955, AA replaced by T on the plus strand (TT replaced by A on the coding strand, the reverse complement: PCDH15 is on the minus strand). VCF-style: chr10-53940954-AA-T. GRCh37 (hg19) VCF-style: chr10-55700714-AA-T.
Other names: c.3158_3159delinsA, p.Leu1053fs (NM_001142763.2, NM_001142771.2); c.3143_3144delinsA, p.Leu1048fs (NM_001142764.2, NM_001142766.2, NM_001142770.3 and 4 more transcripts); c.2930_2931delinsA, p.Leu977fs (NM_001142765.2); c.3032_3033delinsA, p.Leu1011fs (NM_001142767.2); c.3077_3078delinsA, p.Leu1026fs (NM_001142768.2, NM_001142773.2, NM_001354404.2); c.3179_3180delTTinsA, p.Leu1060Glnfs (NM_001142769.4); c.3164_3165delinsA, p.Leu1055fs (NM_001354411.2); short protein forms L1011fs, L1026fs, L1048fs, L1053fs, L1055fs, L1060fs, L977fs.
Identifiers: ClinVar variation 5013288 (VCV005013288.1).